The following is an entry in ClinVar:

ClinVar aggregate classification (germline): Uncertain significance (1 of 4 stars; one submission).

Allele frequency attached by ClinVar (database versions not stated): gnomAD exomes below 0.00001.
gnomAD v4.1: 1 of 1,613,082 alleles (0.000062%); highest among the groups gnomAD compares: Middle Eastern, 0.017%; no homozygotes.

Submission:

Labcorp Genetics (formerly Invitae), Labcorp
Classification: Uncertain significance. Last evaluated: 2022-03-11. Review status: criteria provided, single submitter. Criteria: Invitae Variant Classification Sherloc (09022015). Collection method: clinical testing. Allele origin: germline.
Comment: In summary, the available evidence is currently insufficient to determine the role of this variant in disease. Therefore, it has been classified as a Variant of Uncertain Significance. Algorithms developed to predict the effect of missense changes on protein structure and function are either unavailable or do not agree on the potential impact of this missense change (SIFT: "Deleterious"; PolyPhen-2: "Benign"; Align-GVGD: "Class C0"). This variant has not been reported in the literature in individuals affected with RASGRP1-related conditions. This variant is not present in population databases (gnomAD no frequency). This sequence change replaces aspartic acid, which is acidic and polar, with asparagine, which is neutral and polar, at codon 731 of the RASGRP1 protein (p.Asp731Asn).

NM_005739.4(RASGRP1):c.2191G>A (p.Asp731Asn)

Gene: RASGRP1 (RAS guanyl releasing protein 1; minus strand). Cytogenetic location: 15q14.
Variant type: single nucleotide variant.
Coding change: c.2191G>A on transcript NM_005739.4 (MANE Select); coding-DNA position 2191, G replaced by A.
Protein change: p.Asp731Asn; replaces aspartic acid 731 with asparagine.
Molecular consequence: missense variant. On other transcripts: intron variant (1).
Genome position (GRCh38, 1-based): chr15:38,494,450, C>T on the plus strand (G>A on the coding strand, the complement: RASGRP1 is on the minus strand). VCF-style: chr15-38494450-C-T. GRCh37 (hg19) VCF-style: chr15-38786651-C-T.
Other names: c.2086G>A, p.Asp696Asn (NM_001128602.2); c.1769-3762G>A (NM_001306086.2); short protein forms D731N, D696N.
Identifiers: ClinVar variation 2105308 (VCV002105308.4), dbSNP rs2542847191, ClinGen allele CA391661837.